The following is an entry in ClinVar:

NM_003442.6(ZNF143):c.1815C>A (p.Gly605=)

Gene: ZNF143 (zinc finger protein 143; plus strand). Cytogenetic location: 11p15.4.
Variant type: single nucleotide variant.
Coding change: c.1815C>A on transcript NM_003442.6 (MANE Select); coding-DNA position 1815, C replaced by A.
Protein change: p.Gly605=; no amino-acid change (glycine 605 retained).
Molecular consequence: synonymous variant.
Genome position (GRCh38, 1-based): chr11:9,525,368, C>A. VCF-style: chr11-9525368-C-A. GRCh37 (hg19) VCF-style: chr11-9546915-C-A.
Other names: c.1812C>A, p.Gly604= (NM_001282656.2); c.1722C>A, p.Gly574= (NM_001282657.2).
Identifiers: ClinVar variation 4535018 (VCV004535018.6).
Genomic context (GRCh38, chr11:9,525,368, plus strand): 5'-TAGCCATCACTTAGTAACCACAGAAACCAGACCTCTGACCTTAGTAGCAACATCCAATGG[C>A]ACCCAGATTGCAGTTCAGGTGAGTACCAAGGCATACTGTCCTCAGTCGACAGCAGTGCTG-3'
Protein context (NP_003433.3, residues 595-615): RPLTLVATSN[Gly605=]TQIAVQLGEQ

ClinVar aggregate classification (germline): Likely benign (1 of 4 stars; one submission).

Submission:

CeGaT Center for Human Genetics Tuebingen
Classification: Likely benign. Last evaluated: 2025-10-01. Review status: criteria provided, single submitter. Criteria: CeGaT Center For Human Genetics Tuebingen Variant Classification Criteria Version 2. Collection method: clinical testing. Allele origin: germline. Affected: yes. Observed: 1 variant allele.
Comment: ZNF143: PM2:Supporting, BP4, BP7